The following is an entry in ClinVar:

NM_198506.5(LRIT3):c.*683G>A

Gene: LRIT3 (leucine rich repeat, Ig-like and transmembrane domains 3; plus strand). Cytogenetic location: 4q25.
Variant type: single nucleotide variant.
Coding change: c.*683G>A on transcript NM_198506.5 (MANE Select); 683 bases downstream of the stop codon, G replaced by A.
Molecular consequence: 3 prime UTR variant.
Genome position (GRCh38, 1-based): chr4:109,871,472, G>A. VCF-style: chr4-109871472-G-A. GRCh37 (hg19) VCF-style: chr4-110792628-G-A.
Identifiers: ClinVar variation 347205 (VCV000347205.5), dbSNP rs564004924, ClinGen allele CA10619853.

ClinVar aggregate classification (germline): Likely benign (1 of 4 stars; one submission).

Conditions:
Congenital stationary night blindness 1F. Also called: Night blindness, congenital stationary (complete), 1F, autosomal recessive. Identifiers: Orphanet 215, MedGen C3554399, MONDO:0014026, OMIM 615058.

Allele frequency attached by ClinVar (database versions not stated): gnomAD 0.00030 and 0.00041; TOPMed 0.00042; 1000 Genomes Project 30x 0.00047; 1000 Genomes Project 0.00060.

Submission:

Illumina Laboratory Services, Illumina
Classification: Likely benign for Congenital stationary night blindness 1F. Last evaluated: 2018-01-13. Review status: criteria provided, single submitter. Criteria: ICSL Variant Classification Criteria 13 December 2019. Collection method: clinical testing. Allele origin: germline.
Comment: This variant was observed in the ICSL laboratory as part of a predisposition screen in an ostensibly healthy population. It had not been previously curated by ICSL or reported in the Human Gene Mutation Database (HGMD: prior to June 1st, 2018), and was therefore a candidate for classification through an automated scoring system. Utilizing variant allele frequency, disease prevalence and penetrance estimates, and inheritance mode, an automated score was calculated to assess if this variant is too frequent to cause the disease. Based on the score and internal cut-off values, a variant classified as likely benign is not then subjected to further curation. The score for this variant resulted in a classification of likely benign for this disease.